The following is an entry in ClinVar:

ClinVar aggregate classification (germline): Uncertain significance (1 of 4 stars; one submission).

Conditions:
Epileptic encephalopathy. Identifiers: MedGen C0543888, HP:0200134.

Allele frequency attached by ClinVar (database versions not stated): gnomAD exomes 0.00001; ExAC 0.00002; 1000 Genomes Project 30x 0.00016; 1000 Genomes Project 0.00020.
gnomAD v4.1: 15 of 1,612,506 alleles (0.00093%); highest among the groups gnomAD compares: East Asian, 0.033%; no homozygotes.

Submission:

Labcorp Genetics (formerly Invitae), Labcorp
Classification: Uncertain significance for Epileptic encephalopathy. Last evaluated: 2021-07-07. Review status: criteria provided, single submitter. Criteria: Invitae Variant Classification Sherloc (09022015). Collection method: clinical testing. Allele origin: germline.
Comment: This variant has not been reported in the literature in individuals with FASN-related conditions. Algorithms developed to predict the effect of missense changes on protein structure and function are either unavailable or do not agree on the potential impact of this missense change (SIFT: "Deleterious"; PolyPhen-2: "Benign"; Align-GVGD: "Class C0"). This variant is present in population databases (rs200775885, ExAC 0.02%). In summary, the available evidence is currently insufficient to determine the role of this variant in disease. Therefore, it has been classified as a Variant of Uncertain Significance. This sequence change replaces valine with methionine at codon 1457 of the FASN protein (p.Val1457Met). The valine residue is highly conserved and there is a small physicochemical difference between valine and methionine.

NM_004104.5(FASN):c.4369G>A (p.Val1457Met)

Gene: FASN (fatty acid synthase; minus strand). Cytogenetic location: 17q25.3.
Variant type: single nucleotide variant.
Coding change: c.4369G>A on transcript NM_004104.5 (MANE Select); coding-DNA position 4369, G replaced by A.
Protein change: p.Val1457Met; replaces valine 1457 with methionine.
Molecular consequence: missense variant.
Genome position (GRCh38, 1-based): chr17:82,085,075, C>T on the plus strand (G>A on the coding strand, the complement: FASN is on the minus strand). VCF-style: chr17-82085075-C-T. GRCh37 (hg19) VCF-style: chr17-80042951-C-T.
Other names: short protein forms V1457M.
Identifiers: ClinVar variation 1510557 (VCV001510557.8), dbSNP rs200775885, ClinGen allele CA8852079.